The following is an entry in ClinVar:

ClinVar aggregate classification (germline): Uncertain significance (1 of 4 stars; one submission).

Submission:

Labcorp Genetics (formerly Invitae), Labcorp
Classification: Uncertain significance. Last evaluated: 2025-10-14. Review status: criteria provided, single submitter. Criteria: Invitae Variant Classification Sherloc (09022015). Collection method: clinical testing. Allele origin: germline.
Comment: This sequence change replaces alanine, which is neutral and non-polar, with threonine, which is neutral and polar, at codon 27 of the IL2RB protein (p.Ala27Thr). This variant is present in population databases (no rsID available, gnomAD 0.006%). This variant has not been reported in the literature in individuals affected with IL2RB-related conditions. An algorithm developed to predict the effect of missense changes on protein structure and function outputs the following: PolyPhen-2: "Benign". The threonine amino acid residue is found in multiple mammalian species, which suggests that this missense change does not adversely affect protein function. In summary, the available evidence is currently insufficient to determine the role of this variant in disease. Therefore, it has been classified as a Variant of Uncertain Significance.

NM_000878.5(IL2RB):c.79G>A (p.Ala27Thr)

Gene: IL2RB (interleukin 2 receptor subunit beta; minus strand). Cytogenetic location: 22q12.3.
Variant type: single nucleotide variant.
Coding change: c.79G>A on transcript NM_000878.5 (MANE Select); coding-DNA position 79, G replaced by A.
Protein change: p.Ala27Thr; replaces alanine 27 with threonine.
Molecular consequence: missense variant.
Genome position (GRCh38, 1-based): chr22:37,144,094, C>T on the plus strand (G>A on the coding strand, the complement: IL2RB is on the minus strand). VCF-style: chr22-37144094-C-T. GRCh37 (hg19) VCF-style: chr22-37540134-C-T.
Other names: c.79G>A, p.Ala27Thr (NM_001346222.1, NM_001346223.2); short protein forms A27T.
Identifiers: ClinVar variation 4695956 (VCV004695956.1).